The following is an entry in ClinVar:

ClinVar aggregate classification (germline): Likely benign (0 of 4 stars; one submission).

Conditions:
CUX2-related disorder. Also called: CUX2-related condition.

Submission:

PreventionGenetics, part of Exact Sciences
Classification: Likely benign for CUX2-related condition. Last evaluated: 2020-02-24. Review status: no assertion criteria provided. Collection method: clinical testing. Allele origin: germline.
Comment: This variant is classified as likely benign based on ACMG/AMP sequence variant interpretation guidelines (Richards et al. 2015 PMID: 25741868, with internal and published modifications).

NM_015267.4(CUX2):c.2982T>G (p.Pro994=)

Gene: CUX2 (cut like homeobox 2; plus strand). Cytogenetic location: 12q24.12.
Variant type: single nucleotide variant.
Coding change: c.2982T>G on transcript NM_015267.4 (MANE Select); coding-DNA position 2982, T replaced by G.
Protein change: p.Pro994=; no amino-acid change (proline 994 retained).
Molecular consequence: synonymous variant.
Genome position (GRCh38, 1-based): chr12:111,334,496, T>G. VCF-style: chr12-111334496-T-G. GRCh37 (hg19) VCF-style: chr12-111772300-T-G.
Other names: c.2796T>G, p.Pro932= (NM_001370598.1).
Identifiers: ClinVar variation 3051876 (VCV003051876.2), dbSNP rs2499909656, ClinGen allele CA481756150.
Genomic context (GRCh38, chr12:111,334,496, plus strand): 5'-CACAGCCAGTCCCACAGAACCAAGGTCCTCACCATCCCCACCCCCCAGCCCCACAGAGCC[T>G]GAGAAGAGCTCCCAGGAGCCGTTGAGCCTGTCCCTGGAGAGCAGCAAGGAGAACCAGCAG-3'
Protein context (NP_056082.2, residues 984-1004): SPSPPPSPTE[Pro994=]EKSSQEPLSL